The following is an entry in ClinVar:

ClinVar aggregate classification (germline): Likely pathogenic (1 of 4 stars; one submission).

Conditions:
Vici syndrome (VICIS). Identifiers: Orphanet 1493, MedGen C1855772, MONDO:0009452, OMIM 242840.

Allele frequency attached by ClinVar (database versions not stated): gnomAD exomes below 0.00001; ExAC 0.00001.
gnomAD v4.1: 3 of 1,605,814 alleles (0.00019%); highest among the groups gnomAD compares: South Asian, 0.0022%; no homozygotes.

Submission:

Labcorp Genetics (formerly Invitae), Labcorp
Classification: Likely pathogenic for Vici syndrome. Last evaluated: 2023-07-31. Review status: criteria provided, single submitter. Criteria: Invitae Variant Classification Sherloc (09022015). Collection method: clinical testing. Allele origin: germline.
Comment: In summary, the currently available evidence indicates that the variant is pathogenic, but additional data are needed to prove that conclusively. Therefore, this variant has been classified as Likely Pathogenic. Algorithms developed to predict the effect of sequence changes on RNA splicing suggest that this variant may disrupt the consensus splice site. This variant has not been reported in the literature in individuals affected with EPG5-related conditions. This variant is present in population databases (rs745754388, gnomAD 0.003%). This sequence change affects a donor splice site in intron 35 of the EPG5 gene. It is expected to disrupt RNA splicing. Variants that disrupt the donor or acceptor splice site typically lead to a loss of protein function (PMID: 16199547), and loss-of-function variants in EPG5 are known to be pathogenic (PMID: 23222957, 23674064).

Literature cited by the submitters: PubMed 16199547; PubMed 23222957; PubMed 23674064.

NM_020964.3(EPG5):c.6049+2T>C

Gene: EPG5 (ectopic P-granules 5 autophagy tethering factor; minus strand). Cytogenetic location: 18q12.3.
Variant type: single nucleotide variant.
Coding change: c.6049+2T>C on transcript NM_020964.3 (MANE Select); the canonical splice donor site of the intron after coding-DNA position 6049, T replaced by C.
Molecular consequence: splice donor variant.
Genome position (GRCh38, 1-based): chr18:45,876,234, A>G on the plus strand (T>C on the coding strand, the complement: EPG5 is on the minus strand). VCF-style: chr18-45876234-A-G. GRCh37 (hg19) VCF-style: chr18-43456199-A-G.
Other names: c.6049+2T>C (NM_001410858.1); c.6046+2T>C (NM_001410859.1).
Identifiers: ClinVar variation 2748710 (VCV002748710.3), dbSNP rs745754388, ClinGen allele CA8948405.
Genomic context (GRCh38, chr18:45,876,234, plus strand): 5'-AAAAGACTGACTGACTTAGGGAAAAATGAAAACTAAGCAGAGACAGCCTGACATCTTCCT[A>G]CCTTTAAAACTCTCATGCAGTGAGTCAATACAGTCAGTGAACAGCTGCACAATGCTTGAG-3'